The following is an entry in ClinVar:

NM_000268.4(NF2):c.1191_1193del (p.Leu398del)

Gene: NF2 (NF2, moesin-ezrin-radixin like (MERLIN) tumor suppressor; plus strand). Cytogenetic location: 22q12.2.
Variant type: Deletion.
Coding change: c.1191_1193del on transcript NM_000268.4 (MANE Select); coding-DNA positions 1191 to 1193, 3 bases deleted (TCT; older notation c.1191_1193delTCT).
Protein change: p.Leu398del; deletes leucine 398.
Molecular consequence: inframe deletion. On other transcripts: inframe indel (14), non-coding transcript variant (1), intron variant (1).
Genome position (GRCh38, 1-based): chr22:29,673,337-29,673,339, TCT deleted; deleting any 3 consecutive bases within chr22:29,673,335-29,673,339 gives the same sequence; the c. name uses the placement nearest the transcript's 3' end. VCF-style (leftmost placement, unchanged base first): chr22-29673334-ACTT-A. GRCh37 (hg19) VCF-style: chr22-30069323-ACTT-A.
Other names: c.1077_1079delTCT, p.Leu360del (NM_001407053.1, NM_001407056.1); c.1068_1070delTCT, p.Leu357del (NM_001407054.1, NM_001407058.1); c.1065_1067delTCT, p.Leu356del (NM_001407055.1); c.1056_1058delTCT, p.Leu353del (NM_001407057.1, NM_001407059.1); c.1191_1193delTCT, p.Leu398del (NM_001407060.1, NM_001407066.1); c.933_935delTCT, p.Leu312del (NM_001407062.1); c.942_944delTCT, p.Leu315del (NM_001407063.1, NM_001407064.1); c.657_659delTCT, p.Leu220del (NM_001407065.1); and 6 more; short protein forms L357del, L360del, L312del, L321del, L356del, L220del, L315del, L353del.
Identifiers: ClinVar variation 1744831 (VCV001744831.2), dbSNP rs2518679905, ClinGen allele CA2580099571.

ClinVar aggregate classification (germline): Uncertain significance (1 of 4 stars; one submission).

Conditions:
Hereditary cancer-predisposing syndrome. Also called: Hereditary Cancer Syndrome; Neoplastic Syndromes, Hereditary; Tumor predisposition; Hereditary neoplastic syndrome. Identifiers: Orphanet 140162, MedGen C0027672, MeSH D009386, MONDO:0015356.

Submission:

Ambry Genetics
Classification: Uncertain significance for Hereditary cancer-predisposing syndrome. Last evaluated: 2022-04-21. Review status: criteria provided, single submitter. Criteria: Ambry Variant Classification Scheme 2023. Collection method: clinical testing. Allele origin: germline.
Comment: The c.1191_1193delTCT variant (also known as p.L398del) is located in coding exon 12 of the NF2 gene. This variant results from an in-frame TCT deletion at nucleotide positions 1191 to 1193. This results in the in-frame deletion of a leucine at codon 398. This amino acid position is highly conserved in available vertebrate species. In addition, this alteration is predicted to be deleterious by in silico analysis (Choi Y et al. PLoS ONE. 2012; 7(10):e46688). Since supporting evidence is limited at this time, the clinical significance of this alteration remains unclear.